The following is an entry in ClinVar:

ClinVar aggregate classification (germline): Uncertain significance (1 of 4 stars; one submission).

Conditions:
Long QT syndrome (LQTS). Identifiers: MedGen C0023976, MeSH D008133, MONDO:0002442. Disease mechanism: loss of function. Inheritance: Various modes of inheritance.

gnomAD v4.1: 1 of 1,580,932 alleles (0.000063%); highest among the groups gnomAD compares: Non-Finnish European, 0.000087%; no homozygotes.

Submission:

Labcorp Genetics (formerly Invitae), Labcorp
Classification: Uncertain significance for Long QT syndrome. Last evaluated: 2024-11-05. Review status: criteria provided, single submitter. Criteria: Invitae Variant Classification Sherloc (09022015). Collection method: clinical testing. Allele origin: germline.
Comment: This sequence change replaces aspartic acid, which is acidic and polar, with asparagine, which is neutral and polar, at codon 113 of the AKAP9 protein (p.Asp113Asn). This variant is not present in population databases (gnomAD no frequency). This variant has not been reported in the literature in individuals affected with AKAP9-related conditions. An algorithm developed to predict the effect of missense changes on protein structure and function (PolyPhen-2) suggests that this variant is likely to be disruptive. In summary, the available evidence is currently insufficient to determine the role of this variant in disease. Therefore, it has been classified as a Variant of Uncertain Significance.

NM_005751.5(AKAP9):c.337G>A (p.Asp113Asn)

Gene: AKAP9 (A-kinase anchoring protein 9; plus strand). Cytogenetic location: 7q21.2.
Variant type: single nucleotide variant.
Coding change: c.337G>A on transcript NM_005751.5 (MANE Select); coding-DNA position 337, G replaced by A.
Protein change: p.Asp113Asn; replaces aspartic acid 113 with asparagine.
Molecular consequence: missense variant.
Genome position (GRCh38, 1-based): chr7:91,980,319, G>A. VCF-style: chr7-91980319-G-A. GRCh37 (hg19) VCF-style: chr7-91609633-G-A.
Other names: c.337G>A, p.Asp113Asn (NM_147185.3); short protein forms D113N.
Identifiers: ClinVar variation 3671216 (VCV003671216.2).